The following is an entry in ClinVar:

ClinVar aggregate classification (germline): Uncertain significance (1 of 4 stars; one submission).

Submission:

GeneDx
Classification: Uncertain significance. Last evaluated: 2022-04-07. Review status: criteria provided, single submitter. Criteria: GeneDx Variant Classification Process June 2021. Collection method: clinical testing. Allele origin: germline. Affected: yes.
Comment: Not observed at significant frequency in large population cohorts (gnomAD); Has not been previously published as pathogenic or benign to our knowledge; In silico analysis, which includes splice predictors and evolutionary conservation, suggests this variant may impact gene splicing. In the absence of RNA/functional studies, the actual effect of this sequence change is unknown.

NM_006086.4(TUBB3):c.166+6T>C

Gene: TUBB3 (tubulin beta 3 class III; plus strand). Cytogenetic location: 16q24.3.
Variant type: single nucleotide variant.
Coding change: c.166+6T>C on transcript NM_006086.4 (MANE Select); 6 bases into the intron after coding-DNA position 166, T replaced by C.
Molecular consequence: intron variant.
Genome position (GRCh38, 1-based): chr16:89,932,685, T>C. VCF-style: chr16-89932685-T-C. GRCh37 (hg19) VCF-style: chr16-89999093-T-C.
Other names: c.-51+6T>C (NM_001197181.2).
Identifiers: ClinVar variation 1708905 (VCV001708905.2), dbSNP rs778235935, ClinGen allele CA2580092409.